The following is an entry in ClinVar:

NM_015386.3(COG4):c.2251G>A (p.Asp751Asn)

Gene: COG4 (component of oligomeric golgi complex 4; minus strand). Cytogenetic location: 16q22.1.
Variant type: single nucleotide variant.
Coding change: c.2251G>A on transcript NM_015386.3 (MANE Select); coding-DNA position 2251, G replaced by A.
Protein change: p.Asp751Asn; replaces aspartic acid 751 with asparagine.
Molecular consequence: missense variant. On other transcripts: non-coding transcript variant (1).
Genome position (GRCh38, 1-based): chr16:70,481,129, C>T on the plus strand (G>A on the coding strand, the complement: COG4 is on the minus strand). VCF-style: chr16-70481129-C-T. GRCh37 (hg19) VCF-style: chr16-70515032-C-T.
Other names: c.2176G>A, p.Asp726Asn (NM_001195139.2); c.1825G>A, p.Asp609Asn (NM_001365426.1); short protein forms D609N, D751N, D726N.
Identifiers: ClinVar variation 702101 (VCV000702101.13), dbSNP rs200083914, ClinGen allele CA8143982.

ClinVar aggregate classification (germline): Conflicting classifications of pathogenicity. Review status: criteria provided, conflicting classifications (1 of 4 stars). 2 submissions from 2 submitters: Uncertain significance (1); Likely benign (1). Last evaluated 2023-10-29.

Conditions:
COG4-congenital disorder of glycosylation. Also called: CONGENITAL DISORDER OF GLYCOSYLATION, TYPE IIj; CDG IIj; COG4-CDG. Identifiers: Orphanet 263501, MedGen C4303552, MONDO:0013281, OMIM 613489.

Allele frequency attached by ClinVar (database versions not stated): ESP Exome Variant Server 0.00008; gnomAD 0.00009 and 0.00013; TOPMed 0.00017; ExAC 0.00019; gnomAD exomes 0.00020; 1000 Genomes Project 30x 0.00031; 1000 Genomes Project 0.00040.
gnomAD v4.1: 284 of 1,613,420 alleles (0.018%); highest among the groups gnomAD compares: East Asian, 0.43%; no homozygotes.

Submissions (2):

Labcorp Genetics (formerly Invitae), Labcorp
Classification: Likely benign for COG4-congenital disorder of glycosylation. Last evaluated: 2023-10-29. Review status: criteria provided, single submitter. Criteria: Invitae Variant Classification Sherloc (09022015). Collection method: clinical testing. Allele origin: germline.

Baylor Genetics
Classification: Uncertain significance for COG4-congenital disorder of glycosylation. Last evaluated: 2019-01-20. Review status: criteria provided, single submitter. Criteria: ACMG Guidelines, 2015. Collection method: clinical testing. Allele origin: maternal. Affected: yes.
Comment: This variant was determined to be of uncertain significance according to ACMG Guidelines, 2015 [PMID:25741868].